The following is an entry in ClinVar:

ClinVar aggregate classification (germline): Uncertain significance. Review status: criteria provided, multiple submitters, no conflicts (2 of 4 stars). 2 submissions from 2 submitters: Uncertain significance (2). Last evaluated 2022-07-06.

Conditions:
Inborn genetic diseases. Identifiers: MedGen C0950123, MeSH D030342.

Allele frequency attached by ClinVar (database versions not stated): ExAC 0.00001; gnomAD 0.00001; TOPMed 0.00002.
gnomAD v4.1: 18 of 1,614,020 alleles (0.0011%); highest among the groups gnomAD compares: Middle Eastern, 0.016%; no homozygotes.

Submissions (2):

Labcorp Genetics (formerly Invitae), Labcorp
Classification: Uncertain significance. Last evaluated: 2022-07-06. Review status: criteria provided, single submitter. Criteria: Invitae Variant Classification Sherloc (09022015). Collection method: clinical testing. Allele origin: germline.
Comment: This sequence change replaces serine, which is neutral and polar, with phenylalanine, which is neutral and non-polar, at codon 1760 of the LRRK1 protein (p.Ser1760Phe). This variant is present in population databases (rs770946839, gnomAD 0.002%). This variant has not been reported in the literature in individuals affected with LRRK1-related conditions. ClinVar contains an entry for this variant (Variation ID: 1370264). Algorithms developed to predict the effect of missense changes on protein structure and function (SIFT, PolyPhen-2, Align-GVGD) all suggest that this variant is likely to be tolerated. In summary, the available evidence is currently insufficient to determine the role of this variant in disease. Therefore, it has been classified as a Variant of Uncertain Significance.

Ambry Genetics
Classification: Uncertain significance for Inborn genetic diseases. Last evaluated: 2022-01-27. Review status: criteria provided, single submitter. Criteria: Ambry Variant Classification Scheme 2023. Collection method: clinical testing. Allele origin: germline.

NM_024652.6(LRRK1):c.5279C>T (p.Ser1760Phe)

Genes: LRRK1 (leucine rich repeat kinase 1; plus strand), LRRK1-AS1 (LRRK1 antisense RNA 1; minus strand). Cytogenetic location: 15q26.3.
Variant type: single nucleotide variant.
Coding change: c.5279C>T on transcript NM_024652.6 (MANE Select); coding-DNA position 5279, C replaced by T.
Protein change: p.Ser1760Phe; replaces serine 1760 with phenylalanine.
Molecular consequence: missense variant.
Genome position (GRCh38, 1-based): chr15:101,065,716, C>T. VCF-style: chr15-101065716-C-T. GRCh37 (hg19) VCF-style: chr15-101605921-C-T.
Other names: c.5279C>T (NM_024652.3); short protein forms S1760F.
Identifiers: ClinVar variation 1370264 (VCV001370264.4), dbSNP rs770946839, ClinGen allele CA7762104.